The following is an entry in ClinVar:

NM_017866.6(TMEM70):c.130_142del (p.Gly44fs)

Gene: TMEM70 (transmembrane protein 70; plus strand). Cytogenetic location: 8q21.11.
Variant type: Deletion.
Coding change: c.130_142del on transcript NM_017866.6 (MANE Select); coding-DNA positions 130 to 142, 13 bases deleted (GGGCCTTCGGGGC).
Protein change: p.Gly44fs; shifts the reading frame from glycine 44.
Molecular consequence: frameshift variant. On other transcripts: non-coding transcript variant (1).
Genome position (GRCh38, 1-based): chr8:73,976,411-73,976,423, GGGCCTTCGGGGC deleted; deleting any 13 consecutive bases within chr8:73,976,409-73,976,423 gives the same sequence; the c. name uses the placement nearest the transcript's 3' end. VCF-style (leftmost placement, unchanged base first): chr8-73976408-AGCGGGCCTTCGGG-A. GRCh37 (hg19) VCF-style: chr8-74888643-AGCGGGCCTTCGGG-A.
Other names: c.130_142del, p.Gly44fs (NM_001040613.3); short protein forms G44fs.
Identifiers: ClinVar variation 4736011 (VCV004736011.1).

ClinVar aggregate classification (germline): Pathogenic (1 of 4 stars; one submission).

Conditions:
Mitochondrial complex V (ATP synthase) deficiency, nuclear type 2. Also called: ENCEPHALOCARDIOMYOPATHY, MITOCHONDRIAL, NEONATAL, DUE TO ATP SYNTHASE DEFICIENCY; MITOCHONDRIAL COMPLEX V (ATP SYNTHASE) DEFICIENCY, TMEM70 TYPE; Nuclear-Encoded ATPase Deficiency, TMEM70-Related. Identifiers: Orphanet 1194, MedGen C3279699, MONDO:0013546, OMIM 614052.

Submission:

Labcorp Genetics (formerly Invitae), Labcorp
Classification: Pathogenic for Mitochondrial complex V (ATP synthase) deficiency, nuclear type 2. Last evaluated: 2026-01-22. Review status: criteria provided, single submitter. Criteria: Invitae Variant Classification Sherloc (09022015). Collection method: clinical testing. Allele origin: germline.
Comment: This sequence change creates a premature translational stop signal (p.Gly44Argfs*2) in the TMEM70 gene. It is expected to result in an absent or disrupted protein product. Loss-of-function variants in TMEM70 are known to be pathogenic (PMID: 18953340, 21147908). This variant is not present in population databases (gnomAD no frequency). This variant has not been reported in the literature in individuals affected with TMEM70-related conditions. For these reasons, this variant has been classified as Pathogenic.

Literature cited by the submitters: PubMed 18953340; PubMed 21147908.